The following is an entry in ClinVar:

NM_001927.4(DES):c.1363del (p.Asp455fs)

Gene: DES (desmin; plus strand). Cytogenetic location: 2q35.
Variant type: Deletion.
Coding change: c.1363del on transcript NM_001927.4 (MANE Select); coding-DNA position 1363, one base deleted (G; older notation c.1363delG).
Protein change: p.Asp455fs; shifts the reading frame from aspartic acid 455.
Molecular consequence: frameshift variant.
Genome position (GRCh38, 1-based): chr2:219,425,737, G deleted; the last of 3 consecutive G bases (chr2:219,425,735-219,425,737); deleting any one gives the same sequence. VCF-style (leftmost placement, unchanged base first): chr2-219425734-CG-C. GRCh37 (hg19) VCF-style: chr2-220290456-CG-C.
Other names: c.1360del, p.Asp454fs (NM_001382708.1); c.931del, p.Asp311fs (NM_001382709.1); c.1294del, p.Asp432fs (NM_001382710.1); c.1342del, p.Asp448fs (NM_001382711.1); c.1363del, p.Asp455fs (NM_001382712.1); c.1093del, p.Asp365fs (NM_001382713.1); short protein forms D311fs, D365fs, D432fs, D448fs, D454fs, D455fs.
Identifiers: ClinVar variation 3221929 (VCV003221929.1), dbSNP rs2545263931, ClinGen allele CA2825001090.

ClinVar aggregate classification (germline): Uncertain significance (1 of 4 stars; one submission).

Conditions:
Cardiovascular phenotype. Identifiers: MedGen CN230736.

Submission:

Ambry Genetics
Classification: Uncertain significance for Cardiovascular phenotype. Last evaluated: 2023-10-18. Review status: criteria provided, single submitter. Criteria: Ambry Variant Classification Scheme 2023. Collection method: clinical testing. Allele origin: germline.
Comment: The c.1363delG variant, located in coding exon 8 of the DES gene, results from a deletion of one nucleotide at nucleotide position 1363, causing a translational frameshift with a predicted alternate stop codon (p.D455Mfs*36). This alteration occurs at the 3' terminus of theDES gene, is not expected to trigger nonsense-mediated mRNAdecay, and only impacts the last 3% of the protein. The exact functional effect of this alteration is unknown. Since supporting evidence is limited at this time, the clinical significance of this alteration remains unclear.